The following is an entry in ClinVar:

ClinVar aggregate classification (germline): Likely benign (1 of 4 stars; one submission).

Conditions:
Catecholaminergic polymorphic ventricular tachycardia (CVPT). Also called: Catecholamine-induced polymorphic ventricular tachycardia. Identifiers: Orphanet 3286, MedGen C5574922, MONDO:0017990.

Submission:

All of Us Research Program, National Institutes of Health
Classification: Likely benign for Catecholaminergic polymorphic ventricular tachycardia. Last evaluated: 2023-09-17. Review status: criteria provided, single submitter. Criteria: ACMG Guidelines, 2015. Collection method: clinical testing. Allele origin: germline. Inheritance: Autosomal dominant inheritance. Observed: 1 variant allele, 1 heterozygote.
Comment: This study involves interpretation of variants in research participants for the purpose of population health screening. Participant phenotype was not available at the time of variant classification. Additional details can be found in publication PMID: 35346344, PMCID: PMC8962531

NM_001035.3(RYR2):c.12990G>C (p.Leu4330=)

Genes: RYR2 (ryanodine receptor 2; plus strand), LOC126806068 (BRD4-independent group 4 enhancer GRCh37_chr1:237947411-237948610; plus strand). Cytogenetic location: 1q43.
Variant type: single nucleotide variant.
Coding change: c.12990G>C on transcript NM_001035.3 (MANE Select); coding-DNA position 12990, G replaced by C.
Protein change: p.Leu4330=; no amino-acid change (leucine 4330 retained).
Molecular consequence: synonymous variant.
Genome position (GRCh38, 1-based): chr1:237,784,702, G>C. VCF-style: chr1-237784702-G-C. GRCh37 (hg19) VCF-style: chr1-237948002-G-C.
Identifiers: ClinVar variation 3073357 (VCV003073357.1), dbSNP rs1558407591, ClinGen allele CA424032532.
Genomic context (GRCh38, chr1:237,784,702, plus strand): 5'-CAGCCTGCTGCTTGGGGGAAGCCTCGTCGAAGGTGCTAAAAAGATCAAAGTTGCAGAACT[G>C]TTAGCCAACATGCCAGACCCCACTCAGGATGAGGTTAGAGGAGATGGGGAGGAGGGAGAG-3'
Protein context (NP_001026.2, residues 4320-4340): EGAKKIKVAE[Leu4330=]LANMPDPTQD